The following is an entry in ClinVar:

ClinVar aggregate classification (germline): Conflicting classifications of pathogenicity. Review status: criteria provided, conflicting classifications (1 of 4 stars). 6 submissions from 6 submitters: Uncertain significance (4); Likely benign (2). Last evaluated 2026-07-07.

Conditions:
SMARCA4-related disorder. Also called: SMARCA4-related condition.
Hereditary cancer-predisposing syndrome. Also called: Hereditary Cancer Syndrome; Hereditary neoplastic syndrome; Neoplastic Syndromes, Hereditary; Tumor predisposition. Identifiers: Orphanet 140162, MedGen C0027672, MeSH D009386, MONDO:0015356.
Rhabdoid tumor predisposition syndrome 2 (RTPS2). Identifiers: Orphanet 231108, Orphanet 69077, MedGen C2750074, MONDO:0013224, OMIM 613325.

Submissions (6):

Myriad Genetics, Inc.
Classification: Likely benign for Rhabdoid tumor predisposition syndrome 2. Last evaluated: 2026-07-07. Review status: criteria provided, single submitter. Criteria: Myriad Autosomal Dominant, Autosomal Recessive and X-Linked Classification Criteria (2023). Collection method: clinical testing. Allele origin: unknown.
Comment: This variant is considered likely benign. This variant has been observed at a population frequency that is significantly greater than expected given the associated disease prevalence and penetrance.

Labcorp Genetics (formerly Invitae), Labcorp
Classification: Uncertain significance for Rhabdoid tumor predisposition syndrome 2. Last evaluated: 2025-12-27. Review status: criteria provided, single submitter. Criteria: Invitae Variant Classification Sherloc (09022015). Collection method: clinical testing. Allele origin: germline.
Comment: This variant, c.2066_2068del, results in the deletion of 1 amino acid(s) of the SMARCA4 protein (p.Lys689del), but otherwise preserves the integrity of the reading frame. This variant is present in population databases (rs765524239, gnomAD 0.01%). This variant has not been reported in the literature in individuals affected with SMARCA4-related conditions. Experimental studies and prediction algorithms are not available or were not evaluated, and the functional significance of this variant is currently unknown. In summary, the available evidence is currently insufficient to determine the role of this variant in disease. Therefore, it has been classified as a Variant of Uncertain Significance.

PreventionGenetics, part of Exact Sciences
Classification: Uncertain significance for SMARCA4-related condition. Last evaluated: 2025-09-24. Review status: criteria provided, single submitter. Criteria: ACMG Guidelines, 2015. Collection method: clinical testing. Allele origin: germline.
Comment: The SMARCA4 c.2066_2068delAGA variant is predicted to result in an in-frame deletion (p.Lys689del). To our knowledge, this variant has not been reported in the literature. This variant is reported in 0.0098% of alleles in individuals of South Asian descent in gnomAD and has conflicting classifications in ClinVar ranging from likely benign to uncertain (Variation ID: 470279). At this time, the clinical significance of this variant is uncertain due to the absence of conclusive functional and genetic evidence.

Baylor Genetics
Classification: Uncertain significance for Rhabdoid tumor predisposition syndrome 2. Last evaluated: 2023-12-04. Review status: criteria provided, single submitter. Criteria: ACMG Guidelines, 2015. Collection method: clinical testing. Allele origin: unknown.

Quest Diagnostics Nichols Institute San Juan Capistrano
Classification: Uncertain significance. Last evaluated: 2023-01-30. Review status: criteria provided, single submitter. Criteria: Quest Diagnostics criteria. Collection method: clinical testing. Allele origin: unknown.
Comment: To the best of our knowledge, the variant has not been reported in the published literature. The frequency of this variant in the general population, 0.000098 (3/30602 chromosomes in South Asian subpopulation), is higher than would generally be expected for pathogenic variants in this gene. Based on the available information, we are unable to determine the clinical significance of this variant.

Ambry Genetics
Classification: Likely benign for Hereditary cancer-predisposing syndrome. Last evaluated: 2022-10-24. Review status: criteria provided, single submitter. Criteria: Ambry Variant Classification Scheme 2023. Collection method: clinical testing. Allele origin: germline.

NM_003072.5(SMARCA4):c.2057AGA[3] (p.Lys689del)

Gene: SMARCA4 (SWI/SNF related BAF chromatin remodeling complex subunit ATPase 4; plus strand). Cytogenetic location: 19p13.2.
Variant type: Microsatellite.
Coding change: c.2057AGA[3] on transcript NM_003072.5 (MANE Select); three copies in a row of the 3-base unit AGA starting at c.2057; the reference has four copies in a row; one copy, 3 bases deleted; also written c.2066_2068del.
Protein change: p.Lys689del; deletes lysine 689.
Molecular consequence: inframe deletion. On other transcripts: non-coding transcript variant (1).
Genome position (GRCh38, 1-based): chr19:11,007,966-11,007,968, AGA deleted; deleting any 3 consecutive bases within chr19:11,007,957-11,007,968 gives the same sequence; the position shown is the placement nearest the transcript's 3' end. VCF-style (leftmost placement, unchanged base first): chr19-11007956-GAGA-G. GRCh37 (hg19) VCF-style: chr19-11118632-GAGA-G.
Other names: c.2066_2068del (NM_003072.5); c.2057AGA[3], p.Lys689del (NM_001128849.3, NM_001374457.1, NM_001387283.1 and 5 more transcripts); short protein forms K689del.
Identifiers: ClinVar variation 470279 (VCV000470279.18), dbSNP rs765524239, ClinGen allele CA9203997.
Genomic context (GRCh38, chr19:11,007,956, plus strand): 5'-TGGTAGGAGGAGGAGGAAGAGCAGCCGCAGGCAGCACAGCCTCCCACCCTGCCCGTGGAG[GAGA>G]AGAAGAAGATTCCAGATCCAGACAGCGATGACGTCTCTGAGGTGGACGCGCGGCACATCA-3'